The following is an entry in ClinVar:

ClinVar aggregate classification (germline): Uncertain significance (1 of 4 stars; one submission).

Submission:

GeneDx
Classification: Uncertain significance. Last evaluated: 2022-06-28. Review status: criteria provided, single submitter. Criteria: GeneDx Variant Classification Process June 2021. Collection method: clinical testing. Allele origin: germline. Affected: yes.
Comment: Not observed at significant frequency in large population cohorts (gnomAD); Frameshift deletion/insertion variant predicted to result in protein truncation as the last 229 amino acids are replaced with 24 different amino acids; Has not been previously published as pathogenic or benign to our knowledge

NM_032108.4(SEMA6B):c.1978_1984delinsAAGGTT (p.Gln660fs)

Gene: SEMA6B (semaphorin 6B; minus strand). Cytogenetic location: 19p13.3.
Variant type: Indel.
Coding change: c.1978_1984delinsAAGGTT on transcript NM_032108.4 (MANE Select); coding-DNA positions 1978 to 1984, CAGGGTC replaced by AAGGTT.
Protein change: p.Gln660fs; shifts the reading frame from glutamine 660.
Molecular consequence: frameshift variant.
Genome position (GRCh38, 1-based): chr19:4,544,284-4,544,290, GACCCTG replaced by AACCTT on the plus strand (CAGGGTC replaced by AAGGTT on the coding strand, the reverse complement: SEMA6B is on the minus strand). VCF-style: chr19-4544284-GACCCTG-AACCTT. GRCh37 (hg19) VCF-style: chr19-4544296-GACCCTG-AACCTT.
Other names: short protein forms Q660fs.
Identifiers: ClinVar variation 1810151 (VCV001810151.1), dbSNP rs2512182847, ClinGen allele CA2580096998.